The following is an entry in ClinVar:

NC_000006.11:g.(?_64694266)_(65149255_?)dup

Gene: EYS (eyes shut homolog; minus strand). Cytogenetic location: 6q12.
Variant type: Duplication.
Identifiers: ClinVar variation 1503681 (VCV001503681.4).

ClinVar aggregate classification (germline): Likely pathogenic (1 of 4 stars; one submission).

Submission:

Labcorp Genetics (formerly Invitae), Labcorp
Classification: Likely pathogenic. Last evaluated: 2020-12-21. Review status: criteria provided, single submitter. Criteria: Invitae Variant Classification Sherloc (09022015). Collection method: clinical testing. Allele origin: germline.
Comment: This variant results in a copy number gain of the genomic region encompassing exon(s) 27-35 of the EYS gene. While the exact position of this variant cannot be determined from the data, sub-genic copy number gains are generally in tandem (PMID: 25640679). This variant is predicted to be out-of-frame, and may result in an absent or disrupted protein product. Loss-of-function variants in EYS are known to be pathogenic (PMID: 18836446, 20333770). In summary, the currently available evidence indicates that the variant is pathogenic, but additional data are needed to prove that conclusively. Therefore, this variant has been classified as Likely Pathogenic. This variant has not been reported in the literature in individuals with EYS-related conditions.

Literature cited by the submitters: PubMed 25640679; PubMed 18836446; PubMed 20333770.